The following is an entry in ClinVar:

ClinVar aggregate classification (germline): Uncertain significance (1 of 4 stars; one submission).

gnomAD v4.1: 1 of 1,613,696 alleles (0.000062%); no homozygotes.

Submission:

Labcorp Genetics (formerly Invitae), Labcorp
Classification: Uncertain significance. Last evaluated: 2022-06-09. Review status: criteria provided, single submitter. Criteria: Invitae Variant Classification Sherloc (09022015). Collection method: clinical testing. Allele origin: germline.
Comment: In summary, the available evidence is currently insufficient to determine the role of this variant in disease. Therefore, it has been classified as a Variant of Uncertain Significance. Algorithms developed to predict the effect of sequence changes on RNA splicing suggest that this variant may create or strengthen a splice site. Advanced modeling of protein sequence and biophysical properties (such as structural, functional, and spatial information, amino acid conservation, physicochemical variation, residue mobility, and thermodynamic stability) performed at Invitae indicates that this missense variant is not expected to disrupt SPTBN2 protein function. This variant has not been reported in the literature in individuals affected with SPTBN2-related conditions. This variant is not present in population databases (gnomAD no frequency). This sequence change replaces alanine, which is neutral and non-polar, with valine, which is neutral and non-polar, at codon 2105 of the SPTBN2 protein (p.Ala2105Val).

NM_006946.4(SPTBN2):c.6314C>T (p.Ala2105Val)

Gene: SPTBN2 (spectrin beta, non-erythrocytic 2; minus strand). Cytogenetic location: 11q13.2.
Variant type: single nucleotide variant.
Coding change: c.6314C>T on transcript NM_006946.4 (MANE Select); coding-DNA position 6314, C replaced by T.
Protein change: p.Ala2105Val; replaces alanine 2105 with valine.
Molecular consequence: missense variant.
Genome position (GRCh38, 1-based): chr11:66,688,229, G>A on the plus strand (C>T on the coding strand, the complement: SPTBN2 is on the minus strand). VCF-style: chr11-66688229-G-A. GRCh37 (hg19) VCF-style: chr11-66455700-G-A.
Other names: short protein forms A2105V.
Identifiers: ClinVar variation 1505873 (VCV001505873.6), dbSNP rs2135309500, ClinGen allele CA381459003.